The following is an entry in ClinVar:

NM_017763.6(RNF43):c.474C>G (p.Thr158=)

Gene: RNF43 (ring finger protein 43; minus strand). Cytogenetic location: 17q22.
Variant type: single nucleotide variant.
Coding change: c.474C>G on transcript NM_017763.6 (MANE Select); coding-DNA position 474, C replaced by G.
Protein change: p.Thr158=; no amino-acid change (threonine 158 retained).
Molecular consequence: synonymous variant.
Genome position (GRCh38, 1-based): chr17:58,363,383, G>C on the plus strand (C>G on the coding strand, the complement: RNF43 is on the minus strand). VCF-style: chr17-58363383-G-C. GRCh37 (hg19) VCF-style: chr17-56440744-G-C.
Other names: c.474C>G, p.Thr158= (NM_001305544.3, NM_001438820.1, NM_001438821.1 and 1 more transcripts); c.93C>G, p.Thr31= (NM_001305545.2, NM_001437987.1).
Identifiers: ClinVar variation 4875774 (VCV004875774.1).

ClinVar aggregate classification (germline): Benign (1 of 4 stars; one submission).

Conditions:
Sessile serrated polyposis cancer syndrome (SSPCS). Identifiers: Orphanet 157798, MedGen C4310714, MONDO:0014919, OMIM 617108.

gnomAD v4.1: 1 of 1,614,162 alleles (0.000062%); highest among the groups gnomAD compares: Non-Finnish European, 0.000085%; no homozygotes.

Submission:

Myriad Genetics, Inc.
Classification: Benign for Sessile serrated polyposis cancer syndrome. Last evaluated: 2026-06-30. Review status: criteria provided, single submitter. Criteria: Myriad Autosomal Dominant, Autosomal Recessive and X-Linked Classification Criteria (2023). Collection method: clinical testing. Allele origin: unknown.
Comment: This variant is considered benign. This variant is a silent/synonymous amino acid change and it is not expected to impact splicing.